The following is an entry in ClinVar:

ClinVar aggregate classification (germline): Likely benign (0 of 4 stars; one submission).

Conditions:
RET-related disorder. Also called: RET-related disorders; RET-related condition; RET-related disease.

Allele frequency attached by ClinVar (database versions not stated): gnomAD 0.00001; TOPMed 0.00001.
gnomAD v4.1: 1 of 152,266 alleles (0.00066%); highest among the groups gnomAD compares: Non-Finnish European, 0.0015%; no homozygotes.

Submission:

PreventionGenetics, part of Exact Sciences
Classification: Likely benign for RET-related condition. Last evaluated: 2019-12-23. Review status: no assertion criteria provided. Collection method: clinical testing. Allele origin: germline.
Comment: This variant is classified as likely benign based on ACMG/AMP sequence variant interpretation guidelines (Richards et al. 2015 PMID: 25741868, with internal and published modifications).

NM_020975.6(RET):c.73+9405G>A

Genes: MCS+9.7 (RET intron 1 enhancer; plus strand), RET (ret proto-oncogene; plus strand), LOC110121502 (VISTA enhancer hs2326; plus strand). Cytogenetic location: 10q11.21.
Variant type: single nucleotide variant.
Coding change: c.73+9405G>A on transcript NM_020975.6 (MANE Select); 9405 bases into the intron after coding-DNA position 73, G replaced by A.
Molecular consequence: intron variant.
Genome position (GRCh38, 1-based): chr10:43,086,736, G>A. VCF-style: chr10-43086736-G-A. GRCh37 (hg19) VCF-style: chr10-43582184-G-A.
Other names: c.73+9405G>A (NM_020630.7, NM_001406743.1, NM_001406744.1 and 36 more transcripts).
Identifiers: ClinVar variation 3048275 (VCV003048275.2), dbSNP rs1165547757, ClinGen allele CA593180454.